The following is an entry in ClinVar:

ClinVar aggregate classification (germline): Uncertain significance. Review status: criteria provided, multiple submitters, no conflicts (2 of 4 stars). 2 submissions from 2 submitters: Uncertain significance (2). Last evaluated 2025-03-07.

Conditions:
Inborn genetic diseases. Identifiers: MedGen C0950123, MeSH D030342.
Ullrich congenital muscular dystrophy 2 (UCMD2). Identifiers: Orphanet 75840, MedGen C4225314, MONDO:0014654, OMIM 616470.
Bethlem myopathy 2 (BTHLM2). Identifiers: Orphanet 536516, Orphanet 610, MedGen C4225313, MONDO:0034022, OMIM 616471.

Allele frequency attached by ClinVar (database versions not stated): ExAC 0.00001; gnomAD 0.00001; gnomAD exomes 0.00001 and 0.00002.
gnomAD v4.1: 11 of 1,572,280 alleles (0.0007%); highest among the groups gnomAD compares: South Asian, 0.0071%; no homozygotes.

Submissions (2):

Ambry Genetics
Classification: Uncertain significance for Inborn genetic diseases. Last evaluated: 2025-03-07. Review status: criteria provided, single submitter. Criteria: Ambry Variant Classification Scheme 2023. Collection method: clinical testing. Allele origin: germline.

Labcorp Genetics (formerly Invitae), Labcorp
Classification: Uncertain significance for Bethlem myopathy 2; Ullrich congenital muscular dystrophy 2. Last evaluated: 2022-09-27. Review status: criteria provided, single submitter. Criteria: Invitae Variant Classification Sherloc (09022015). Collection method: clinical testing. Allele origin: germline.
Comment: In summary, the available evidence is currently insufficient to determine the role of this variant in disease. Therefore, it has been classified as a Variant of Uncertain Significance. Advanced modeling of protein sequence and biophysical properties (such as structural, functional, and spatial information, amino acid conservation, physicochemical variation, residue mobility, and thermodynamic stability) performed at Invitae indicates that this missense variant is not expected to disrupt COL12A1 protein function. ClinVar contains an entry for this variant (Variation ID: 475899). This variant has not been reported in the literature in individuals affected with COL12A1-related conditions. This variant is present in population databases (rs755342579, gnomAD 0.009%). This sequence change replaces proline, which is neutral and non-polar, with leucine, which is neutral and non-polar, at codon 2790 of the COL12A1 protein (p.Pro2790Leu).

NM_004370.6(COL12A1):c.8369C>T (p.Pro2790Leu)

Gene: COL12A1 (collagen type XII alpha 1 chain; minus strand). Cytogenetic location: 6q13.
Variant type: single nucleotide variant.
Coding change: c.8369C>T on transcript NM_004370.6 (MANE Select); coding-DNA position 8369, C replaced by T.
Protein change: p.Pro2790Leu; replaces proline 2790 with leucine.
Molecular consequence: missense variant.
Genome position (GRCh38, 1-based): chr6:75,102,643, G>A on the plus strand (C>T on the coding strand, the complement: COL12A1 is on the minus strand). VCF-style: chr6-75102643-G-A. GRCh37 (hg19) VCF-style: chr6-75812359-G-A.
Other names: c.4877C>T, p.Pro1626Leu (NM_080645.3); short protein forms P2790L, P1626L.
Identifiers: ClinVar variation 475899 (VCV000475899.11), dbSNP rs755342579, ClinGen allele CA3892298.